The following is an entry in ClinVar:

ClinVar aggregate classification (germline): Pathogenic (1 of 4 stars; one submission).

Submission:

Labcorp Genetics (formerly Invitae), Labcorp
Classification: Pathogenic. Last evaluated: 2024-07-10. Review status: criteria provided, single submitter. Criteria: Invitae Variant Classification Sherloc (09022015). Collection method: clinical testing. Allele origin: germline.
Comment: This sequence change creates a premature translational stop signal (p.Arg66Thrfs*49) in the BMP2 gene. While this is not anticipated to result in nonsense mediated decay, it is expected to disrupt the last 331 amino acid(s) of the BMP2 protein. This variant is not present in population databases (gnomAD no frequency). This variant has not been reported in the literature in individuals affected with BMP2-related conditions. This variant disrupts a region of the BMP2 protein in which other variant(s) (p.Cys329*) have been determined to be pathogenic (PMID: 29198724). This suggests that this is a clinically significant region of the protein, and that variants that disrupt it are likely to be disease-causing. For these reasons, this variant has been classified as Pathogenic.

Literature cited by the submitters: PubMed 29198724.

NM_001200.4(BMP2):c.197_198del (p.Arg66fs)

Gene: BMP2 (bone morphogenetic protein 2; plus strand). Cytogenetic location: 20p12.3.
Variant type: Microsatellite.
Coding change: c.197_198del on transcript NM_001200.4 (MANE Select); coding-DNA positions 197 to 198, 2 bases deleted (GA; older notation c.197_198delGA).
Protein change: p.Arg66fs; shifts the reading frame from arginine 66.
Molecular consequence: frameshift variant.
Genome position (GRCh38, 1-based): chr20:6,770,323-6,770,324, GA deleted; deleting any 2 consecutive bases within chr20:6,770,320-6,770,324 gives the same sequence; the c. name uses the placement nearest the transcript's 3' end. VCF-style (leftmost placement, unchanged base first): chr20-6770319-CAG-C. GRCh37 (hg19) VCF-style: chr20-6750966-CAG-C.
Other names: short protein forms R66fs.
Identifiers: ClinVar variation 1075203 (VCV001075203.9), dbSNP rs2122376439, ClinGen allele CA2580614991.